The following is an entry in ClinVar:

ClinVar aggregate classification (germline): Uncertain significance (1 of 4 stars; one submission).

Conditions:
Bloom syndrome (BLM). Also called: Bloom-Torre-Machacek syndrome. Identifiers: Orphanet 125, MedGen C0005859, MONDO:0008876, OMIM 210900.

Allele frequency attached by ClinVar (database versions not stated): gnomAD 0.00001; TOPMed 0.00001.
gnomAD v4.1: 1 of 1,611,810 alleles (0.000062%); highest among the groups gnomAD compares: Non-Finnish European, 0.000085%; no homozygotes.

Submission:

Labcorp Genetics (formerly Invitae), Labcorp
Classification: Uncertain significance for Bloom syndrome. Last evaluated: 2025-11-10. Review status: criteria provided, single submitter. Criteria: Invitae Variant Classification Sherloc (09022015). Collection method: clinical testing. Allele origin: germline.
Comment: This sequence change replaces asparagine, which is neutral and polar, with serine, which is neutral and polar, at codon 774 of the BLM protein (p.Asn774Ser). This variant is not present in population databases (gnomAD no frequency). This variant has not been reported in the literature in individuals affected with BLM-related conditions. ClinVar contains an entry for this variant (Variation ID: 860585). Invitae Evidence Modeling of protein sequence and biophysical properties (such as structural, functional, and spatial information, amino acid conservation, physicochemical variation, residue mobility, and thermodynamic stability) indicates that this missense variant is not expected to disrupt BLM protein function with a negative predictive value of 80%. In summary, the available evidence is currently insufficient to determine the role of this variant in disease. Therefore, it has been classified as a Variant of Uncertain Significance.

NM_000057.4(BLM):c.2321A>G (p.Asn774Ser)

Gene: BLM (BLM RecQ like helicase; plus strand). Cytogenetic location: 15q26.1.
Variant type: single nucleotide variant.
Coding change: c.2321A>G on transcript NM_000057.4 (MANE Select); coding-DNA position 2321, A replaced by G.
Protein change: p.Asn774Ser; replaces asparagine 774 with serine.
Molecular consequence: missense variant.
Genome position (GRCh38, 1-based): chr15:90,769,146, A>G. VCF-style: chr15-90769146-A-G. GRCh37 (hg19) VCF-style: chr15-91312376-A-G.
Other names: c.2321A>G, p.Asn774Ser (NM_001287246.2, NM_001287247.2); c.1196A>G, p.Asn399Ser (NM_001287248.2); short protein forms N399S, N774S.
Identifiers: ClinVar variation 860585 (VCV000860585.6), dbSNP rs1245556905, ClinGen allele CA393845052.